The following is an entry in ClinVar:

NM_176824.3(BBS7):c.1334A>C (p.Tyr445Ser)

Gene: BBS7 (Bardet-Biedl syndrome 7; minus strand). Cytogenetic location: 4q27.
Variant type: single nucleotide variant.
Coding change: c.1334A>C on transcript NM_176824.3 (MANE Select); coding-DNA position 1334, A replaced by C.
Protein change: p.Tyr445Ser; replaces tyrosine 445 with serine.
Molecular consequence: missense variant.
Genome position (GRCh38, 1-based): chr4:121,839,668, T>G on the plus strand (A>C on the coding strand, the complement: BBS7 is on the minus strand). VCF-style: chr4-121839668-T-G. GRCh37 (hg19) VCF-style: chr4-122760823-T-G.
Other names: c.1334A>C, p.Tyr445Ser (NM_018190.4); short protein forms Y445S.
Identifiers: ClinVar variation 2175937 (VCV002175937.4), dbSNP rs776931328, ClinGen allele CA358060239.

ClinVar aggregate classification (germline): Uncertain significance (1 of 4 stars; one submission).

Conditions:
Bardet-Biedl syndrome (BBS). Identifiers: Orphanet 110, MedGen C0752166, MONDO:0015229.

gnomAD v4.1: 1 of 1,613,912 alleles (0.000062%); highest among the groups gnomAD compares: Admixed American, 0.0017%; no homozygotes.

Submission:

Labcorp Genetics (formerly Invitae), Labcorp
Classification: Uncertain significance for Bardet-Biedl syndrome. Last evaluated: 2022-08-16. Review status: criteria provided, single submitter. Criteria: Invitae Variant Classification Sherloc (09022015). Collection method: clinical testing. Allele origin: germline.
Comment: In summary, the available evidence is currently insufficient to determine the role of this variant in disease. Therefore, it has been classified as a Variant of Uncertain Significance. Algorithms developed to predict the effect of missense changes on protein structure and function (SIFT, PolyPhen-2, Align-GVGD) all suggest that this variant is likely to be disruptive. This variant has not been reported in the literature in individuals affected with BBS7-related conditions. This variant is not present in population databases (gnomAD no frequency). This sequence change replaces tyrosine, which is neutral and polar, with serine, which is neutral and polar, at codon 445 of the BBS7 protein (p.Tyr445Ser).